The following is an entry in ClinVar:

ClinVar aggregate classification (germline): Uncertain significance (1 of 4 stars; one submission).

Conditions:
Long QT syndrome (LQTS). Identifiers: MedGen C0023976, MeSH D008133, MONDO:0002442. Disease mechanism: loss of function. Inheritance: Various modes of inheritance.

Submission:

Dept of Medical Biology, Uskudar University
Classification: Uncertain significance for Long QT syndrome. Last evaluated: 2024-01-08. Review status: criteria provided, single submitter. Criteria: Dept of Medical Biology Variant Classification. Collection method: research. Allele origin: maternal. Affected: yes. Observed: 1 variant allele.
Comment: Criteria: PM2, PP3

NM_003239.5(TGFB3):c.911C>A (p.Thr304Asn)

Gene: TGFB3 (transforming growth factor beta 3; minus strand). Cytogenetic location: 14q24.3.
Variant type: single nucleotide variant.
Coding change: c.911C>A on transcript NM_003239.5 (MANE Select); coding-DNA position 911, C replaced by A.
Protein change: p.Thr304Asn; replaces threonine 304 with asparagine.
Molecular consequence: missense variant.
Genome position (GRCh38, 1-based): chr14:75,963,331, G>T on the plus strand (C>A on the coding strand, the complement: TGFB3 is on the minus strand). VCF-style: chr14-75963331-G-T. GRCh37 (hg19) VCF-style: chr14-76429674-G-T.
Other names: c.911C>A, p.Thr304Asn (NM_001329938.2, NM_001329939.2); short protein forms T304N.
Identifiers: ClinVar variation 2574023 (VCV002574023.3), dbSNP rs2504099604, ClinGen allele CA390468165.
Genomic context (GRCh38, chr14:75,963,331, plus strand): 5'-GTAGGCAGGCAGTAGATGTTGGTTCCCATGTGGGCCCAGTCTCACCGGAAGCAGTAATTG[G>T]TGTCCAAAGCCCGCTTCTTCCTCTGACCCCCCTGGCCCGGGTTGTCGAGCCGGTGTGGGG-3'
Protein context (NP_003230.1, residues 294-314): GGQRKKRALD[Thr304Asn]NYCFRNLEEN